The following is an entry in ClinVar:

ClinVar aggregate classification (germline): Uncertain significance (1 of 4 stars; one submission).

Submission:

Ambry Genetics
Classification: Uncertain significance. Last evaluated: 2021-10-21. Review status: criteria provided, single submitter. Criteria: Ambry Variant Classification Scheme 2023. Collection method: clinical testing. Allele origin: germline.
Comment: The p.S1419F variant (also known as c.4256C>T), located in coding exon 16 of the POLQ gene, results from a C to T substitution at nucleotide position 4256. The serine at codon 1419 is replaced by phenylalanine, an amino acid with highly dissimilar properties. This amino acid position is conserved. In addition, this alteration is predicted to be tolerated by in silico analysis. Since supporting evidence is limited at this time, the clinical significance of this alteration remains unclear.

NM_199420.4(POLQ):c.4256C>T (p.Ser1419Phe)

Gene: POLQ (DNA polymerase theta; minus strand). Cytogenetic location: 3q13.33.
Variant type: single nucleotide variant.
Coding change: c.4256C>T on transcript NM_199420.4 (MANE Select); coding-DNA position 4256, C replaced by T.
Protein change: p.Ser1419Phe; replaces serine 1419 with phenylalanine.
Molecular consequence: missense variant.
Genome position (GRCh38, 1-based): chr3:121,488,675, G>A on the plus strand (C>T on the coding strand, the complement: POLQ is on the minus strand). VCF-style: chr3-121488675-G-A. GRCh37 (hg19) VCF-style: chr3-121207522-G-A.
Other names: short protein forms S1419F.
Identifiers: ClinVar variation 1739125 (VCV001739125.2), dbSNP rs2546786086, ClinGen allele CA354095587.